The following is an entry in ClinVar:

NM_207122.2(EXT2):c.516del (p.Ala173fs)

Gene: EXT2 (exostosin glycosyltransferase 2; plus strand). Cytogenetic location: 11p11.2.
Variant type: Deletion.
Coding change: c.516del on transcript NM_207122.2 (MANE Select); coding-DNA position 516, one base deleted (A; older notation c.516delA).
Protein change: p.Ala173fs; shifts the reading frame from alanine 173.
Molecular consequence: frameshift variant.
Genome position (GRCh38, 1-based): chr11:44,108,228, A deleted; the last of 2 consecutive A bases (chr11:44,108,227-44,108,228); deleting either gives the same sequence. VCF-style (leftmost placement, unchanged base first): chr11-44108226-CA-C. GRCh37 (hg19) VCF-style: chr11-44129776-CA-C.
Other names: c.615del, p.Ala206fs (NM_000401.3); c.516del, p.Ala173fs (NM_001178083.3, NM_001389628.1, NM_001389630.1); short protein forms A206fs, A173fs.
Identifiers: ClinVar variation 1351327 (VCV001351327.6), dbSNP rs2134968744, ClinGen allele CA2573146278.

ClinVar aggregate classification (germline): Pathogenic (1 of 4 stars; one submission).

Conditions:
Exostoses, multiple, type 2 (EXT2). Also called: EXOSTOSES, MULTIPLE, TYPE II; Hereditary Multiple Osteochondromatosis, Type II. Identifiers: Orphanet 321, MedGen C1851413, MONDO:0007586, OMIM 133701.

Submission:

Labcorp Genetics (formerly Invitae), Labcorp
Classification: Pathogenic for Exostoses, multiple, type 2. Last evaluated: 2021-07-14. Review status: criteria provided, single submitter. Criteria: Invitae Variant Classification Sherloc (09022015). Collection method: clinical testing. Allele origin: germline.
Comment: This sequence change creates a premature translational stop signal (p.Ala173Argfs*97) in the EXT2 gene. It is expected to result in an absent or disrupted protein product. Loss-of-function variants in EXT2 are known to be pathogenic (PMID: 10679937, 19810120). This variant is not present in population databases (ExAC no frequency). This variant has not been reported in the literature in individuals affected with EXT2-related conditions. For these reasons, this variant has been classified as Pathogenic.

Literature cited by the submitters: PubMed 10679937; PubMed 19810120.